The following is an entry in ClinVar:

ClinVar aggregate classification (germline): Conflicting classifications of pathogenicity. Review status: criteria provided, conflicting classifications (1 of 4 stars). 2 submissions from 2 submitters: Uncertain significance (1); Benign (1). Last evaluated 2025-08-25.

Conditions:
Adams-Oliver syndrome 5 (AOS5). Identifiers: Orphanet 974, MedGen C4014970, MONDO:0014459, OMIM 616028.
Familial thoracic aortic aneurysm and aortic dissection (TAAD). Also called: Thoracic aortic aneurysms and dissections. Identifiers: Orphanet 91387, MedGen C4707243, MONDO:0019625.

Allele frequency attached by ClinVar (database versions not stated): gnomAD 0.00001 and 0.00002; gnomAD exomes 0.00001 and 0.00004; TOPMed 0.00001; ExAC 0.00005; 1000 Genomes Project 30x 0.00016.
gnomAD v4.1: 21 of 1,612,578 alleles (0.0013%); highest among the groups gnomAD compares: South Asian, 0.0066%; no homozygotes.

Submissions (2):

Labcorp Genetics (formerly Invitae), Labcorp
Classification: Benign for Adams-Oliver syndrome 5. Last evaluated: 2025-08-25. Review status: criteria provided, single submitter. Criteria: Invitae Variant Classification Sherloc (09022015). Collection method: clinical testing. Allele origin: germline.

Ambry Genetics
Classification: Uncertain significance for Familial thoracic aortic aneurysm and aortic dissection. Last evaluated: 2024-06-17. Review status: criteria provided, single submitter. Criteria: Ambry Variant Classification Scheme 2023. Collection method: clinical testing. Allele origin: germline.
Comment: The p.G1166S variant (also known as c.3496G>A), located in coding exon 21 of the NOTCH1 gene, results from a G to A substitution at nucleotide position 3496. The glycine at codon 1166 is replaced by serine, an amino acid with similar properties. This amino acid position is highly conserved in available vertebrate species. In addition, the in silico prediction for this alteration is inconclusive. Since supporting evidence is limited at this time, the clinical significance of this alteration remains unclear.

NM_017617.5(NOTCH1):c.3496G>A (p.Gly1166Ser)

Gene: NOTCH1 (notch receptor 1; minus strand). Cytogenetic location: 9q34.3.
Variant type: single nucleotide variant.
Coding change: c.3496G>A on transcript NM_017617.5 (MANE Select); coding-DNA position 3496, G replaced by A.
Protein change: p.Gly1166Ser; replaces glycine 1166 with serine.
Molecular consequence: missense variant.
Genome position (GRCh38, 1-based): chr9:136,507,969, C>T on the plus strand (G>A on the coding strand, the complement: NOTCH1 is on the minus strand). VCF-style: chr9-136507969-C-T. GRCh37 (hg19) VCF-style: chr9-139402421-C-T.
Other names: short protein forms G1166S.
Identifiers: ClinVar variation 940302 (VCV000940302.13), dbSNP rs754815022, ClinGen allele CA5340914.